The following is an entry in ClinVar:

NM_005902.4(SMAD3):c.1186A>G (p.Ile396Val)

Gene: SMAD3 (SMAD family member 3; plus strand). Cytogenetic location: 15q22.33.
Variant type: single nucleotide variant.
Coding change: c.1186A>G on transcript NM_005902.4 (MANE Select); coding-DNA position 1186, A replaced by G.
Protein change: p.Ile396Val; replaces isoleucine 396 with valine.
Molecular consequence: missense variant.
Genome position (GRCh38, 1-based): chr15:67,190,444, A>G. VCF-style: chr15-67190444-A-G. GRCh37 (hg19) VCF-style: chr15-67482782-A-G.
Other names: c.871A>G, p.Ile291Val (NM_001145102.2); c.1054A>G, p.Ile352Val (NM_001145103.2); c.601A>G, p.Ile201Val (NM_001145104.2); short protein forms I396V, I201V, I291V, I352V.
Identifiers: ClinVar variation 570649 (VCV000570649.25), dbSNP rs1317532064, ClinGen allele CA392958726.

ClinVar aggregate classification (germline): Conflicting classifications of pathogenicity. Review status: criteria provided, conflicting classifications (1 of 4 stars). 9 submissions from 9 submitters: Uncertain significance (8); Likely benign (1). Last evaluated 2026-01-11.

Conditions:
Ehlers-Danlos syndrome (EDS). Identifiers: Orphanet 98249, MedGen C0013720, MONDO:0020066.
Aneurysm-osteoarthritis syndrome. Also called: ANEURYSMS-OSTEOARTHRITIS SYNDROME; SMAD3-Related Loeys-Dietz Syndrome; LOEYS-DIETZ SYNDROME WITH OSTEOARTHRITIS; Loeys-Dietz syndrome, type 1C. Identifiers: Orphanet 284984, MedGen C3151087, MONDO:0013426, OMIM 613795.
Familial thoracic aortic aneurysm and aortic dissection (TAAD). Also called: Thoracic aortic aneurysms and dissections. Identifiers: Orphanet 91387, MedGen C4707243, MONDO:0019625.

Allele frequency attached by ClinVar (database versions not stated): gnomAD exomes 0.00001; gnomAD 0.00003; TOPMed 0.00003.
gnomAD v4.1: 24 of 1,613,776 alleles (0.0015%); highest among the groups gnomAD compares: Non-Finnish European, 0.0018%; no homozygotes.

Submissions (9):

Labcorp Genetics (formerly Invitae), Labcorp
Classification: Likely benign for Familial thoracic aortic aneurysm and aortic dissection. Last evaluated: 2026-01-11. Review status: criteria provided, single submitter. Criteria: Invitae Variant Classification Sherloc (09022015). Collection method: clinical testing. Allele origin: germline.

Color Diagnostics, LLC DBA Color Health
Classification: Uncertain significance for Familial thoracic aortic aneurysm and aortic dissection. Last evaluated: 2025-02-03. Review status: criteria provided, single submitter. Criteria: ACMG Guidelines, 2015. Collection method: clinical testing. Allele origin: germline.
Comment: This missense variant replaces isoleucine with valine at codon 396 of the SMAD3 protein. Computational prediction tool is inconclusive regarding the impact of this variant on protein structure and function. To our knowledge, functional studies have not been reported for this variant. This variant has not been reported in individuals affected with SMAD3-related disorders in the literature. This variant has been identified in 2/251474 chromosomes in the general population by the Genome Aggregation Database (gnomAD). The available evidence is insufficient to determine the role of this variant in disease conclusively. Therefore, this variant is classified as a Variant of Uncertain Significance.

Revvity Omics, Revvity
Classification: Uncertain significance for Aneurysm-osteoarthritis syndrome. Last evaluated: 2024-10-16. Review status: criteria provided, single submitter. Criteria: ACMG Guidelines, 2015. Collection method: clinical testing. Allele origin: germline.

All of Us Research Program, National Institutes of Health
Classification: Uncertain significance for Aneurysm-osteoarthritis syndrome. Last evaluated: 2024-07-29. Review status: criteria provided, single submitter. Criteria: ACMG Guidelines, 2015. Collection method: clinical testing. Allele origin: germline. Inheritance: Autosomal dominant inheritance. Observed: 3 variant alleles, 3 heterozygotes.
Comment: This missense variant replaces isoleucine with valine at codon 396 of the SMAD3 protein. Computational prediction tools and conservation analyses are inconclusive regarding the impact of this variant on protein structure and function. Splice site prediction tools suggest that this variant may not impact RNA splicing. To our knowledge, functional studies have not been performed for this variant. This variant has not been reported in individuals affected with cardiovascular disorders in the literature. This variant has not been identified in the general population by the Genome Aggregation Database (gnomAD). The available evidence is insufficient to determine the role of this variant in disease conclusively. Therefore, this variant is classified as a Variant of Uncertain Significance.

This study involves interpretation of variants in research participants for the purpose of population health screening. Participant phenotype was not available at the time of variant classification. Additional details can be found in publication PMID: 35346344, PMCID: PMC8962531

Women's Health and Genetics/Laboratory Corporation of America, LabCorp
Classification: Uncertain significance. Last evaluated: 2023-08-10. Review status: criteria provided, single submitter. Criteria: LabCorp Variant Classification Summary - May 2015. Collection method: clinical testing. Allele origin: germline.

Ambry Genetics
Classification: Uncertain significance for Familial thoracic aortic aneurysm and aortic dissection. Last evaluated: 2022-05-12. Review status: criteria provided, single submitter. Criteria: Ambry Variant Classification Scheme 2023. Collection method: clinical testing. Allele origin: germline.
Comment: The p.I396V variant (also known as c.1186A>G), located in coding exon 9 of the SMAD3 gene, results from an A to G substitution at nucleotide position 1186. The isoleucine at codon 396 is replaced by valine, an amino acid with highly similar properties. This amino acid position is highly conserved in available vertebrate species. In addition, this alteration is predicted to be deleterious by in silico analysis. Since supporting evidence is limited at this time, the clinical significance of this alteration remains unclear.

AiLife Diagnostics
Classification: Uncertain significance. Last evaluated: 2021-12-23. Review status: criteria provided, single submitter. Criteria: ACMG Guidelines, 2015. Collection method: clinical testing. Allele origin: germline. Affected: yes. Observed: 1 variant allele.

GeneDx
Classification: Uncertain significance. Last evaluated: 2020-08-28. Review status: criteria provided, single submitter. Criteria: GeneDx Variant Classification Process June 2021. Collection method: clinical testing. Allele origin: germline. Affected: yes.
Comment: Has not been previously published as pathogenic or benign to our knowledge; Not observed at a significant frequency in large population cohorts (Lek et al., 2016); In silico analysis supports that this missense variant does not alter protein structure/function; Reported in ClinVar but additional evidence is not available (ClinVar Variant ID# 570649; Landrum et al., 2016)

Genome Diagnostics Laboratory, The Hospital for Sick Children
Classification: Uncertain significance for Ehlers-Danlos syndrome. Last evaluated: 2020-01-01. Review status: criteria provided, single submitter. Criteria: ACMG Guidelines, 2015. Collection method: clinical testing. Allele origin: germline.